The following is an entry in ClinVar:

NM_003722.5(TP63):c.399C>T (p.Pro133=)

Gene: TP63 (tumor protein p63; plus strand). Cytogenetic location: 3q28.
Variant type: single nucleotide variant.
Coding change: c.399C>T on transcript NM_003722.5 (MANE Select); coding-DNA position 399, C replaced by T.
Protein change: p.Pro133=; no amino-acid change (proline 133 retained).
Molecular consequence: synonymous variant. On other transcripts: intron variant (2).
Genome position (GRCh38, 1-based): chr3:189,808,346, C>T. VCF-style: chr3-189808346-C-T. GRCh37 (hg19) VCF-style: chr3-189526135-C-T.
Other names: c.399C>T, p.Pro133= (NM_001114978.2, NM_001114979.2, NM_001329144.2 and 1 more transcripts); c.117C>T, p.Pro39= (NM_001114980.2, NM_001114981.2, NM_001114982.2 and 2 more transcripts); c.393C>T, p.Pro131= (NM_001329964.2); c.42+18504C>T (NM_001329146.2, NM_001329150.2).
Identifiers: ClinVar variation 284618 (VCV000284618.19), dbSNP rs145730343, ClinGen allele CA2752127.
Genomic context (GRCh38, chr3:189,808,346, plus strand): 5'-CCTGGGGCTCCTGAACAGCATGGACCAGCAGATTCAGAACGGCTCCTCGTCCACCAGTCC[C>T]TATAACACAGACCACGCGCAGAACAGCGTCACGGCGCCCTCGCCCTACGCACAGCCCAGC-3'
Protein context (NP_003713.3, residues 123-143): QIQNGSSSTS[Pro133=]YNTDHAQNSV

ClinVar aggregate classification (germline): Benign/Likely benign. Review status: criteria provided, multiple submitters, no conflicts (2 of 4 stars). 6 submissions from 4 submitters: Benign (4); Likely benign (2). Last evaluated 2025-01-24.

Conditions:
TP63-Related Spectrum Disorders.
Orofacial cleft 8. Also called: Cleft lip with or without cleft palate, nonsyndromic, 8. Identifiers: MedGen C1851878, MONDO:0029145, OMIM 618149.
Ectrodactyly, ectodermal dysplasia, and cleft lip-palate syndrome 3. Also called: Ectrodactyly, Ectodermal Dysplasia, Cleft Lip/Palate Syndrome 3 (EEC3); Ectrodactyly, Ectodermal Dysplasia, Clefting Syndrome; EEC SYNDROME 3; Ectrodactyly, Ectodermal Dysplasia, Clefting Syndrome Type 3 (EEC3). Identifiers: Orphanet 1896, MedGen C1858562, MONDO:0011428, OMIM 604292.

Allele frequency attached by ClinVar (database versions not stated): 1000 Genomes Project 0.00140; 1000 Genomes Project 30x 0.00141; ESP Exome Variant Server 0.00169; TOPMed 0.00179; gnomAD 0.00183 and 0.00196.
gnomAD v4.1: 487 of 1,614,232 alleles (0.03%); highest among the groups gnomAD compares: African/African-American, 0.6%; 2 homozygotes.

Submissions (6):

Labcorp Genetics (formerly Invitae), Labcorp
Classification: Benign. Last evaluated: 2025-01-24. Review status: criteria provided, single submitter. Criteria: Invitae Variant Classification Sherloc (09022015). Collection method: clinical testing. Allele origin: germline.

Blueprint Genetics
Classification: Likely benign. Last evaluated: 2024-10-18. Review status: criteria provided, single submitter. Criteria: ACMG Guidelines, 2015. Collection method: clinical testing. Allele origin: germline.

Illumina Laboratory Services, Illumina
Classification: Benign for Ectrodactyly, ectodermal dysplasia, and cleft lip-palate syndrome 3. Last evaluated: 2018-01-12. Review status: criteria provided, single submitter. Criteria: ICSL Variant Classification Criteria 13 December 2019. Collection method: clinical testing. Allele origin: germline.
Comment: This variant was observed in the ICSL laboratory as part of a predisposition screen in an ostensibly healthy population. It had not been previously curated by ICSL or reported in the Human Gene Mutation Database (HGMD: prior to June 1st, 2018), and was therefore a candidate for classification through an automated scoring system. Utilizing variant allele frequency, disease prevalence and penetrance estimates, and inheritance mode, an automated score was calculated to assess if this variant is too frequent to cause the disease. Based on the score and internal cut-off values, a variant classified as benign is not then subjected to further curation. The score for this variant resulted in a classification of benign for this disease.

Illumina Laboratory Services, Illumina
Classification: Benign for TP63-Related Spectrum Disorders. Last evaluated: 2018-01-12. Review status: criteria provided, single submitter. Criteria: ICSL Variant Classification Criteria 13 December 2019. Collection method: clinical testing. Allele origin: germline.
Comment: the same text as in the submission from Illumina Laboratory Services, Illumina above.

Illumina Laboratory Services, Illumina
Classification: Likely benign for Orofacial cleft 8. Last evaluated: 2018-01-12. Review status: criteria provided, single submitter. Criteria: ICSL Variant Classification Criteria 13 December 2019. Collection method: clinical testing. Allele origin: germline.
Comment: This variant was observed in the ICSL laboratory as part of a predisposition screen in an ostensibly healthy population. It had not been previously curated by ICSL or reported in the Human Gene Mutation Database (HGMD: prior to June 1st, 2018), and was therefore a candidate for classification through an automated scoring system. Utilizing variant allele frequency, disease prevalence and penetrance estimates, and inheritance mode, an automated score was calculated to assess if this variant is too frequent to cause the disease. Based on the score and internal cut-off values, a variant classified as likely benign is not then subjected to further curation. The score for this variant resulted in a classification of likely benign for this disease.

Eurofins Ntd Llc (ga)
Classification: Benign. Last evaluated: 2015-11-18. Review status: criteria provided, single submitter. Criteria: EGL Classification Definitions 2015. Collection method: clinical testing. Allele origin: germline. Observed: 1 variant allele, 1 heterozygote.